The following is an entry in ClinVar:

GRCh38/hg38 10q21.1(chr10:53477144-54916701)x3

Genes: MIR548F1 (microRNA 548f-1; minus strand), PCDH15 (protocadherin related 15; minus strand), LOC105378311 (uncharacterized LOC105378311; plus strand). Cytogenetic location: 10q21.1.
Variant type: copy number gain.
Change: copy number 3 (three copies instead of two) of chr10:53,477,144-54,916,701 (1.44 Mb, GRCh38 coordinates, 1-based), cytogenetic band 10q21.1.
Identifiers: ClinVar variation 57887 (VCV000057887.1).

ClinVar aggregate classification (germline): Uncertain significance (1 of 4 stars; one submission).

Submission:

ISCA site 14
Classification: Uncertain significance. Last evaluated: 2011-08-12. Review status: criteria provided, single submitter. Criteria: Kaminsky et al. (Genet Med. 2011). Collection method: clinical testing. Allele origin: unknown. Affected: yes. Observed: 1 variant allele.
Comment: Copy number variation identified through the course of routine clinical cytogenomic testing in postnatal populations. Clinical assertions have been curated as described in Kaminsky et al. 2011.